The following is an entry in ClinVar:

ClinVar aggregate classification (germline): Conflicting classifications of pathogenicity. Review status: criteria provided, conflicting classifications (1 of 4 stars). 3 submissions from 3 submitters: Uncertain significance (1); Likely benign (1). 1 of the submissions does not count toward it. Last evaluated 2026-01-14.

Conditions:
Nemaline myopathy 2 (NEM2). Also called: Nemaline myopathy 2, autosomal recessive. Identifiers: MedGen C1850569, MONDO:0009725, OMIM 256030.

Allele frequency attached by ClinVar (database versions not stated): ExAC 0.00002; gnomAD exomes 0.00002; TOPMed 0.00002.
gnomAD v4.1: 9 of 1,613,838 alleles (0.00056%); highest among the groups gnomAD compares: Admixed American, 0.015%; no homozygotes.

Submissions (3):

Labcorp Genetics (formerly Invitae), Labcorp
Classification: Likely benign for Nemaline myopathy 2. Last evaluated: 2026-01-14. Review status: criteria provided, single submitter. Criteria: Invitae Variant Classification Sherloc (09022015). Collection method: clinical testing. Allele origin: germline.

GeneDx
Classification: Uncertain significance. Last evaluated: 2025-05-27. Review status: criteria provided, single submitter. Criteria: GeneDx Variant Classification Process June 2021. Collection method: clinical testing. Allele origin: germline. Affected: yes.
Comment: In silico analysis supports that this missense variant has a deleterious effect on protein structure/function; Has not been previously published as pathogenic or benign to our knowledge

Natera, Inc.
Classification: Uncertain significance for Nemaline myopathy type 2. Last evaluated: 2020-01-24. Review status: no assertion criteria provided. Collection method: clinical testing. Allele origin: germline. Not counted in ClinVar's aggregate classification.

NM_001164508.2(NEB):c.3497A>T (p.His1166Leu)

Gene: NEB (nebulin; minus strand). Cytogenetic location: 2q23.3.
Variant type: single nucleotide variant.
Coding change: c.3497A>T on transcript NM_001164508.2 (MANE Select); coding-DNA position 3497, A replaced by T.
Protein change: p.His1166Leu; replaces histidine 1166 with leucine.
Molecular consequence: missense variant.
Genome position (GRCh38, 1-based): chr2:151,677,946, T>A on the plus strand (A>T on the coding strand, the complement: NEB is on the minus strand). VCF-style: chr2-151677946-T-A. GRCh37 (hg19) VCF-style: chr2-152534460-T-A.
Other names: c.3497A>T, p.His1166Leu (NM_001164507.2, NM_001271208.2, NM_004543.5); c.3497A>T (NM_001271208.1); short protein forms H1166L.
Identifiers: ClinVar variation 1034669 (VCV001034669.13), dbSNP rs765273968, ClinGen allele CA1910896.